The following is an entry in ClinVar:

NM_144670.6(A2ML1):c.3104C>A (p.Thr1035Lys)

Gene: A2ML1 (alpha-2-macroglobulin like 1; plus strand). Cytogenetic location: 12p13.31.
Variant type: single nucleotide variant.
Coding change: c.3104C>A on transcript NM_144670.6 (MANE Select); coding-DNA position 3104, C replaced by A.
Protein change: p.Thr1035Lys; replaces threonine 1035 with lysine.
Molecular consequence: missense variant.
Genome position (GRCh38, 1-based): chr12:8,857,585, C>A. VCF-style: chr12-8857585-C-A. GRCh37 (hg19) VCF-style: chr12-9010181-C-A.
Other names: c.1631C>A, p.Thr544Lys (NM_001282424.3); short protein forms T1035K, T544K.
Identifiers: ClinVar variation 1406831 (VCV001406831.7), dbSNP rs374091844, ClinGen allele CA6436250.

ClinVar aggregate classification (germline): Uncertain significance (1 of 4 stars; one submission).

Allele frequency attached by ClinVar (database versions not stated): gnomAD exomes 0.00001 and 0.00002; ExAC 0.00005; TOPMed 0.00006; ESP Exome Variant Server 0.00008; gnomAD 0.00008 and 0.00009; 1000 Genomes Project 0.00040; 1000 Genomes Project 30x 0.00047.
gnomAD v4.1: 17 of 1,610,262 alleles (0.0011%); highest among the groups gnomAD compares: African/African-American, 0.021%; no homozygotes.

Submission:

Labcorp Genetics (formerly Invitae), Labcorp
Classification: Uncertain significance. Last evaluated: 2025-12-01. Review status: criteria provided, single submitter. Criteria: Invitae Variant Classification Sherloc (09022015). Collection method: clinical testing. Allele origin: germline.
Comment: This sequence change replaces threonine, which is neutral and polar, with lysine, which is basic and polar, at codon 1035 of the A2ML1 protein (p.Thr1035Lys). This variant is present in population databases (rs374091844, gnomAD 0.03%). This variant has not been reported in the literature in individuals affected with A2ML1-related conditions. ClinVar contains an entry for this variant (Variation ID: 1406831). An algorithm developed to predict the effect of missense changes on protein structure and function (PolyPhen-2) suggests that this variant is likely to be disruptive. In summary, the available evidence is currently insufficient to determine the role of this variant in disease. Therefore, it has been classified as a Variant of Uncertain Significance.